The following is an entry in ClinVar:

NM_006567.5(FARS2):c.812del (p.Thr271fs)

Gene: FARS2 (phenylalanyl-tRNA synthetase 2, mitochondrial; plus strand). Cytogenetic location: 6p25.1.
Variant type: Deletion.
Coding change: c.812del on transcript NM_006567.5 (MANE Select); coding-DNA position 812, one base deleted (C; older notation c.812delC).
Protein change: p.Thr271fs; shifts the reading frame from threonine 271.
Molecular consequence: frameshift variant. On other transcripts: intron variant (1).
Genome position (GRCh38, 1-based): chr6:5,431,080, C deleted. VCF-style (leftmost placement, unchanged base first): chr6-5431079-AC-A. GRCh37 (hg19) VCF-style: chr6-5431312-AC-A.
Other names: c.812del, p.Thr271fs (NM_001318872.2, NM_001374875.1, NM_001374876.1 and 4 more transcripts); c.116del, p.Thr39fs (NM_001375259.1, NM_001375260.1); c.772+26379del (NM_001375258.1); short protein forms T271fs, T39fs.
Identifiers: ClinVar variation 654274 (VCV000654274.6), dbSNP rs1429774361, ClinGen allele CA565270720.

ClinVar aggregate classification (germline): Pathogenic (1 of 4 stars; one submission).

Conditions:
Combined oxidative phosphorylation defect type 14. Also called: Combined oxidative phosphorylation deficiency 14. Identifiers: Orphanet 319519, MedGen C4755312, MONDO:0013986, OMIM 614946.

Allele frequency attached by ClinVar (database versions not stated): gnomAD 0.00001; gnomAD exomes 0.00001; TOPMed 0.00001.

Submission:

Labcorp Genetics (formerly Invitae), Labcorp
Classification: Pathogenic for Combined oxidative phosphorylation defect type 14. Last evaluated: 2024-02-07. Review status: criteria provided, single submitter. Criteria: Invitae Variant Classification Sherloc (09022015). Collection method: clinical testing. Allele origin: germline.
Comment: This sequence change creates a premature translational stop signal (p.Thr271Asnfs*23) in the FARS2 gene. It is expected to result in an absent or disrupted protein product. Loss-of-function variants in FARS2 are known to be pathogenic (PMID: 22833457). This variant is present in population databases (no rsID available, gnomAD 0.0009%). This variant has not been reported in the literature in individuals affected with FARS2-related conditions. ClinVar contains an entry for this variant (Variation ID: 654274). For these reasons, this variant has been classified as Pathogenic.

Literature cited by the submitters: PubMed 22833457.